The following is an entry in ClinVar:

ClinVar aggregate classification (germline): Uncertain significance (1 of 4 stars; one submission).

Conditions:
Progressive myoclonic epilepsy. Also called: Progressive myoclonus epilepsy; Familial progressive myoclonic epilepsy; Myoclonus epilepsy; Myoclonic Epilepsies, Progressive. Identifiers: Orphanet 308, Orphanet 98261, MedGen C0751778, MONDO:0020074.

Allele frequency attached by ClinVar (database versions not stated): gnomAD 0.00001.
gnomAD v4.1: 5 of 1,613,908 alleles (0.00031%); highest among the groups gnomAD compares: Non-Finnish European, 0.00042%; no homozygotes.

Submission:

Labcorp Genetics (formerly Invitae), Labcorp
Classification: Uncertain significance for Progressive myoclonic epilepsy. Last evaluated: 2025-04-14. Review status: criteria provided, single submitter. Criteria: Invitae Variant Classification Sherloc (09022015). Collection method: clinical testing. Allele origin: germline.
Comment: This sequence change replaces tyrosine, which is neutral and polar, with phenylalanine, which is neutral and non-polar, at codon 146 of the EPM2A protein (p.Tyr146Phe). This variant is not present in population databases (gnomAD no frequency). This variant has not been reported in the literature in individuals affected with EPM2A-related conditions. ClinVar contains an entry for this variant (Variation ID: 855065). Invitae Evidence Modeling of protein sequence and biophysical properties (such as structural, functional, and spatial information, amino acid conservation, physicochemical variation, residue mobility, and thermodynamic stability) has been performed for this missense variant. However, the output from this modeling did not meet the statistical confidence thresholds required to predict the impact of this variant on EPM2A protein function. In summary, the available evidence is currently insufficient to determine the role of this variant in disease. Therefore, it has been classified as a Variant of Uncertain Significance.

NM_005670.4(EPM2A):c.437A>T (p.Tyr146Phe)

Gene: EPM2A (EPM2A glucan phosphatase, laforin; minus strand). Cytogenetic location: 6q24.3.
Variant type: single nucleotide variant.
Coding change: c.437A>T on transcript NM_005670.4 (MANE Select); coding-DNA position 437, A replaced by T.
Protein change: p.Tyr146Phe; replaces tyrosine 146 with phenylalanine.
Molecular consequence: missense variant. On other transcripts: 5 prime UTR variant (2), non-coding transcript variant (1).
Genome position (GRCh38, 1-based): chr6:145,686,161, T>A on the plus strand (A>T on the coding strand, the complement: EPM2A is on the minus strand). VCF-style: chr6-145686161-T-A. GRCh37 (hg19) VCF-style: chr6-146007297-T-A.
Other names: c.437A>T, p.Tyr146Phe (NM_001018041.2, NM_001360057.2, NM_001368130.1); c.23A>T, p.Tyr8Phe (NM_001360064.2, NM_001360071.2, NM_001368131.1); c.-187A>T (NM_001368129.2, NM_001368132.1); short protein forms Y146F, Y8F.
Identifiers: ClinVar variation 855065 (VCV000855065.9), dbSNP rs1780893400, ClinGen allele CA366188287.